The following is an entry in ClinVar:

ClinVar aggregate classification (germline): Uncertain significance (1 of 4 stars; one submission).

Allele frequency attached by ClinVar (database versions not stated): gnomAD exomes 0.00001.
gnomAD v4.1: 8 of 1,613,172 alleles (0.0005%); highest among the groups gnomAD compares: Middle Eastern, 0.017%; no homozygotes.

Submission:

Labcorp Genetics (formerly Invitae), Labcorp
Classification: Uncertain significance. Last evaluated: 2024-02-24. Review status: criteria provided, single submitter. Criteria: Invitae Variant Classification Sherloc (09022015). Collection method: clinical testing. Allele origin: germline.
Comment: This sequence change replaces arginine, which is basic and polar, with glutamine, which is neutral and polar, at codon 462 of the SGPL1 protein (p.Arg462Gln). This variant is not present in population databases (gnomAD no frequency). This variant has not been reported in the literature in individuals affected with SGPL1-related conditions. ClinVar contains an entry for this variant (Variation ID: 2178910). Advanced modeling of protein sequence and biophysical properties (such as structural, functional, and spatial information, amino acid conservation, physicochemical variation, residue mobility, and thermodynamic stability) performed at Invitae indicates that this missense variant is not expected to disrupt SGPL1 protein function with a negative predictive value of 80%. In summary, the available evidence is currently insufficient to determine the role of this variant in disease. Therefore, it has been classified as a Variant of Uncertain Significance.

NM_003901.4(SGPL1):c.1385G>A (p.Arg462Gln)

Gene: SGPL1 (sphingosine-1-phosphate lyase 1; plus strand). Cytogenetic location: 10q22.1.
Variant type: single nucleotide variant.
Coding change: c.1385G>A on transcript NM_003901.4 (MANE Select); coding-DNA position 1385, G replaced by A.
Protein change: p.Arg462Gln; replaces arginine 462 with glutamine.
Molecular consequence: missense variant.
Genome position (GRCh38, 1-based): chr10:70,875,488, G>A. VCF-style: chr10-70875488-G-A. GRCh37 (hg19) VCF-style: chr10-72635245-G-A.
Other names: short protein forms R462Q.
Identifiers: ClinVar variation 2178910 (VCV002178910.4), dbSNP rs2492809156, ClinGen allele CA377126163.